The following is an entry in ClinVar:

NM_001024630.4(RUNX2):c.194_286del (p.Gln65_Pro95del)

Genes: RUNX2 (RUNX family transcription factor 2; plus strand), LOC109611589 (runt related transcription factor 2 polyalanine expansion region; plus strand). Cytogenetic location: 6p21.1.
Variant type: Deletion.
Coding change: c.194_286del on transcript NM_001024630.4 (MANE Select); coding-DNA positions 194 to 286, 93 bases deleted.
Protein change: p.Gln65_Pro95del.
Molecular consequence: inframe deletion. On other transcripts: inframe indel (1).
Genome position (GRCh38, 1-based): chr6:45,422,728-45,422,820, 93 bases deleted. GRCh37 (hg19): chr6:45,390,465-45,390,557.
Other names: c.194_286del, p.Gln65_Pro95del (NM_001015051.4); c.152_244del, p.Gln51_Pro81del (NM_001278478.2, NM_001369405.1); c.152_244del93, p.Gln51_Pro81del (NM_004348.3).
Identifiers: ClinVar variation 2706950 (VCV002706950.3), dbSNP rs2548581824, ClinGen allele CA2697553389.

ClinVar aggregate classification (germline): Uncertain significance (1 of 4 stars; one submission).

Submission:

Labcorp Genetics (formerly Invitae), Labcorp
Classification: Uncertain significance. Last evaluated: 2024-10-23. Review status: criteria provided, single submitter. Criteria: Invitae Variant Classification Sherloc (09022015). Collection method: clinical testing. Allele origin: germline.
Comment: This variant, c.194_286del, results in the deletion of 31 amino acid(s) of the RUNX2 protein (p.Gln65_Pro95del), but otherwise preserves the integrity of the reading frame. This variant is not present in population databases (gnomAD no frequency). This variant has not been reported in the literature in individuals affected with RUNX2-related conditions. Experimental studies and prediction algorithms are not available or were not evaluated, and the functional significance of this variant is currently unknown. In summary, the available evidence is currently insufficient to determine the role of this variant in disease. Therefore, it has been classified as a Variant of Uncertain Significance.